The following is an entry in ClinVar:

ClinVar aggregate classification (germline): Uncertain significance (1 of 4 stars; one submission).

Conditions:
Joubert syndrome 5 (JBTS5). Identifiers: Orphanet 2318, MedGen C1857780, MONDO:0012432, OMIM 610188.

Allele frequency attached by ClinVar (database versions not stated): gnomAD exomes below 0.00001.
gnomAD v4.1: 4 of 1,603,094 alleles (0.00025%); highest among the groups gnomAD compares: African/African-American, 0.0013%; no homozygotes.

Submission:

Neuberg Centre For Genomic Medicine, NCGM
Classification: Uncertain significance for Joubert syndrome 5. Review status: criteria provided, single submitter. Criteria: ACMG Guidelines, 2015. Collection method: clinical testing. Allele origin: germline. Inheritance: Autosomal recessive inheritance. Affected: yes.
Comment: The missense c.2594T>C p.Leu865Pro variant in the CEP290 gene has not been reported previously as a pathogenic variant nor as a benign variant, to our knowledge. This variant is reported with the allele frequency 0.0004% in the gnomAD Exomes and novel in 1000 Genomes. The amino acid Leucine at position 865 is changed to a Proline changing protein sequence and it might alter its composition and physico-chemical properties. The variant is predicted as damaging by SIFT. The amino acid change p.Leu865Pro in CEP290 is predicted as conserved by GERP++ and PhyloP across 100 vertebrates. For these reasons, this variant has been classified as Uncertain Significance.

NM_025114.4(CEP290):c.2594T>C (p.Leu865Pro)

Gene: CEP290 (centrosomal protein 290; minus strand). Cytogenetic location: 12q21.32.
Variant type: single nucleotide variant.
Coding change: c.2594T>C on transcript NM_025114.4 (MANE Select); coding-DNA position 2594, T replaced by C.
Protein change: p.Leu865Pro; replaces leucine 865 with proline.
Molecular consequence: missense variant.
Genome position (GRCh38, 1-based): chr12:88,106,898, A>G on the plus strand (T>C on the coding strand, the complement: CEP290 is on the minus strand). VCF-style: chr12-88106898-A-G. GRCh37 (hg19) VCF-style: chr12-88500675-A-G.
Other names: short protein forms L865P.
Identifiers: ClinVar variation 3234854 (VCV003234854.1), dbSNP rs1468696400, ClinGen allele CA385971624.